The following is an entry in ClinVar:

ClinVar aggregate classification (germline): Uncertain significance (1 of 4 stars; one submission).

Conditions:
Congenital central hypoventilation. Also called: Congenital Central Hypoventilation Syndrome. Identifiers: Orphanet 661, Orphanet 99803, MedGen C1275808, MONDO:0800031. Disease mechanism: gain of function.

Submission:

Labcorp Genetics (formerly Invitae), Labcorp
Classification: Uncertain significance for Haddad syndrome. Last evaluated: 2018-06-27. Review status: criteria provided, single submitter. Criteria: Invitae Variant Classification Sherloc (09022015). Collection method: clinical testing. Allele origin: germline.
Comment: This variant, c.768_773dupAGCGGC, results in the insertion of 2 amino acids to the PHOX2B protein (p.Ala259_Ala260dup), but otherwise preserves the integrity of the reading frame. While this variant is not present in population databases, the frequency information is unreliable, as metrics indicate poor data quality at this position in the ExAC database. This variant has not been reported in the literature in individuals with PHOX2B-related disease. Experimental studies and prediction algorithms are not available for this variant, and the functional significance of the duplicated amino acids is currently unknown. In summary, the available evidence is currently insufficient to determine the role of this variant in disease. Therefore, it has been classified as a Variant of Uncertain Significance.

NM_003924.4(PHOX2B):c.762AGCGGC[3] (p.Ala259_Ala260dup)

Genes: PHOX2B (paired like homeobox 2B; minus strand), LOC110011216 (paired like homeobox 2b polyalanine repeat instability region; plus strand). Cytogenetic location: 4p13.
Variant type: Microsatellite.
Coding change: c.762AGCGGC[3] on transcript NM_003924.4 (MANE Select); three copies in a row of the 6-base unit AGCGGC starting at c.762; the reference has two copies in a row; one copy, 6 bases duplicated.
Protein change: p.Ala259_Ala260dup.
Molecular consequence: inframe insertion.
Genome position (GRCh38, 1-based): chr4:41,745,979-41,745,984, GCCGCT duplicated on the plus strand (AGCGGC on the coding strand, the reverse complement: PHOX2B is on the minus strand); duplicating any 6 consecutive bases within chr4:41,745,979-41,745,995 gives the same sequence; the position shown is the placement nearest the transcript's 3' end. VCF-style (leftmost placement, unchanged base first): chr4-41745978-C-CGCCGCT. GRCh37 (hg19) VCF-style: chr4-41747995-C-CGCCGCT.
Identifiers: ClinVar variation 573076 (VCV000573076.1), dbSNP rs1157597283, ClinGen allele CA551141164.